The following is an entry in ClinVar:

ClinVar aggregate classification (germline): Likely benign (0 of 4 stars; one submission).

Conditions:
PGAM2-related disorder. Also called: PGAM2-related condition.

Allele frequency attached by ClinVar (database versions not stated): gnomAD 0.00007; ESP Exome Variant Server 0.00015.
gnomAD v4.1: 23 of 1,614,134 alleles (0.0014%); highest among the groups gnomAD compares: African/African-American, 0.025%; no homozygotes.

Submission:

PreventionGenetics, part of Exact Sciences
Classification: Likely benign for PGAM2-related condition. Last evaluated: 2022-09-28. Review status: no assertion criteria provided. Collection method: clinical testing. Allele origin: germline.
Comment: This variant is classified as likely benign based on ACMG/AMP sequence variant interpretation guidelines (Richards et al. 2015 PMID: 25741868, with internal and published modifications).

NM_000290.4(PGAM2):c.45A>T (p.Thr15=)

Genes: DBNL (drebrin like; plus strand), PGAM2 (phosphoglycerate mutase 2; minus strand). Cytogenetic location: 7p13.
Variant type: single nucleotide variant.
Coding change: c.45A>T on transcript NM_000290.4 (MANE Select); coding-DNA position 45, A replaced by T.
Protein change: p.Thr15=; no amino-acid change (threonine 15 retained).
Molecular consequence: synonymous variant. On other transcripts: 3 prime UTR variant (6).
Genome position (GRCh38, 1-based): chr7:44,065,485, T>A on the plus strand (A>T on the coding strand, the complement: PGAM2 is on the minus strand). VCF-style: chr7-44065485-T-A. GRCh37 (hg19) VCF-style: chr7-44105084-T-A.
Other names: c.*4569T>A (NM_001014436.3, NM_001122956.2, NM_001284313.2 and 3 more transcripts).
Identifiers: ClinVar variation 3053583 (VCV003053583.2), dbSNP rs142350623, ClinGen allele CA4236687.
Genomic context (GRCh38, chr7:44,065,485, plus strand): 5'-GGTCCCCTTTTCACTCAGCTCTGCATCGAACCAGCCACAGAAACGGTTCTCCTGGTTCCA[T>A]GTGCTCTCGCCGTGCCGGACCATCACGAGGCGGTGAGTGGCCATGGTGGCAGCAGGGACC-3'
Protein context (NP_000281.2, residues 5-25): RLVMVRHGES[Thr15=]WNQENRFCGW